The following is an entry in ClinVar:

NM_006005.3(WFS1):c.1993A>C (p.Thr665Pro)

Gene: WFS1 (wolframin ER transmembrane glycoprotein; plus strand). Cytogenetic location: 4p16.1.
Variant type: single nucleotide variant.
Coding change: c.1993A>C on transcript NM_006005.3 (MANE Select); coding-DNA position 1993, A replaced by C.
Protein change: p.Thr665Pro; replaces threonine 665 with proline.
Molecular consequence: missense variant.
Genome position (GRCh38, 1-based): chr4:6,301,788, A>C. VCF-style: chr4-6301788-A-C. GRCh37 (hg19) VCF-style: chr4-6303515-A-C.
Other names: c.1993A>C, p.Thr665Pro (NM_001145853.1); short protein forms T665P.
Identifiers: ClinVar variation 591071 (VCV000591071.16), dbSNP rs369656458, ClinGen allele CA2839566.
Genomic context (GRCh38, chr4:6,301,788, plus strand): 5'-CTGTTCTGCTGGTTCTATGTGTACCGCTCAGAGGGCATGAAGGTCTACAACTCCACACTG[A>C]CCTGGCAGCAGTATGGTGCGCTGTGCGGGCCACGCGCCTGGAAGGAGACCAACATGGCGC-3'
Protein context (NP_005996.2, residues 655-675): EGMKVYNSTL[Thr665Pro]WQQYGALCGP

ClinVar aggregate classification (germline): Uncertain significance. Review status: criteria provided, multiple submitters, no conflicts (2 of 4 stars). 8 submissions from 7 submitters: Uncertain significance (7). 1 of the submissions does not count toward it. Last evaluated 2025-07-29.

Conditions:
Wolfram syndrome 1 (WFS1). Identifiers: Orphanet 3463, MedGen C4551693, MONDO:0009101, OMIM 222300.
Cataract 41 (CTRCT41). Also called: CATARACT 41, CONGENITAL NUCLEAR TYPE. Identifiers: Orphanet 91492, Orphanet 98991, Orphanet 98992, Orphanet 98995, MedGen C3805412, MONDO:0007287, OMIM 116400.
Autosomal dominant nonsyndromic hearing loss 6 (LFSNHL). Also called: DEAFNESS, AUTOSOMAL DOMINANT 6; DEAFNESS, AUTOSOMAL DOMINANT 14; DEAFNESS, AUTOSOMAL DOMINANT 38; Autosomal dominant nonsyndromic deafness 6. Identifiers: Orphanet 90635, MedGen C1833021, MONDO:0010963, OMIM 600965.
Type 2 diabetes mellitus. Also called: Type II diabetes mellitus. Identifiers: MedGen C0011860, MeSH D003924, MONDO:0005148, OMIM 125853, HP:0005978.
Wolfram-like syndrome. Also called: HEARING LOSS, PROGRESSIVE, WITH OPTIC ATROPHY AND/OR IMPAIRED GLUCOSE REGULATION. Identifiers: Orphanet 411590, MedGen C3280358, MONDO:0013673, OMIM 614296.
WFS1-Related Spectrum Disorders.

Allele frequency attached by ClinVar (database versions not stated): gnomAD 0.00003 and 0.00004; ExAC 0.00004; TOPMed 0.00005; ESP Exome Variant Server 0.00008; gnomAD exomes 0.00008.
gnomAD v4.1: 60 of 1,613,298 alleles (0.0037%); highest among the groups gnomAD compares: Non-Finnish European, 0.00068%; no homozygotes.

Submissions (8):

Women's Health and Genetics/Laboratory Corporation of America, LabCorp
Classification: Uncertain significance. Last evaluated: 2025-07-29. Review status: criteria provided, single submitter. Criteria: LabCorp Variant Classification Summary - May 2015. Collection method: clinical testing. Allele origin: germline.
Comment: Variant summary: WFS1 c.1993A>C (p.Thr665Pro) results in a non-conservative amino acid change in the encoded protein sequence. Algorithms developed to predict the effect of missense changes on protein structure and function all suggest that this variant is likely to be disruptive. The variant allele was found at a frequency of 8e-05 in 250798 control chromosomes, predominantly at a frequency of 8e-05 within the African subpopulation in the gnomAD database. The available data on variant occurrences in the general population are insufficient to allow any conclusion about variant significance. c.1993A>C has been observed in one individual affected with type 1 diabetes (Yu_2019). These report(s) do not provide unequivocal conclusions about association of the variant with Wolfram Syndrome 1. To our knowledge, no experimental evidence demonstrating an impact on protein function has been reported. The following publication has been ascertained in the context of this evaluation (PMID: 31264968). ClinVar contains an entry for this variant (Variation ID: 591071). Based on the evidence outlined above, the variant was classified as uncertain significance.

Labcorp Genetics (formerly Invitae), Labcorp
Classification: Uncertain significance. Last evaluated: 2024-05-18. Review status: criteria provided, single submitter. Criteria: Invitae Variant Classification Sherloc (09022015). Collection method: clinical testing. Allele origin: germline.
Comment: This sequence change replaces threonine, which is neutral and polar, with proline, which is neutral and non-polar, at codon 665 of the WFS1 protein (p.Thr665Pro). This variant is present in population databases (rs369656458, gnomAD 0.2%). This missense change has been observed in individual(s) with type 1 diabetes (PMID: 31264968). ClinVar contains an entry for this variant (Variation ID: 591071). Advanced modeling of protein sequence and biophysical properties (such as structural, functional, and spatial information, amino acid conservation, physicochemical variation, residue mobility, and thermodynamic stability) has been performed at Invitae for this missense variant, however the output from this modeling did not meet the statistical confidence thresholds required to predict the impact of this variant on WFS1 protein function. In summary, the available evidence is currently insufficient to determine the role of this variant in disease. Therefore, it has been classified as a Variant of Uncertain Significance.

Fulgent Genetics
Classification: Uncertain significance for Cataract 41; Type 2 diabetes mellitus; Wolfram syndrome 1; Autosomal dominant nonsyndromic hearing loss 6; Wolfram-like syndrome. Last evaluated: 2024-04-29. Review status: criteria provided, single submitter. Criteria: ACMG Guidelines, 2015. Collection method: clinical testing. Allele origin: germline.

GeneDx
Classification: Uncertain significance. Last evaluated: 2023-03-02. Review status: criteria provided, single submitter. Criteria: GeneDx Variant Classification Process June 2021. Collection method: clinical testing. Allele origin: germline. Affected: yes.
Comment: Identified in an individual from a cohort of patients with type 1 diabetes, however additional clinical information and segregation data were not included (Yu et al., 2019); In silico analysis supports that this missense variant has a deleterious effect on protein structure/function; This variant is associated with the following publications: (PMID: 31264968)

New York Genome Center
Classification: Uncertain significance for Type 2 diabetes mellitus; Wolfram syndrome 1. Last evaluated: 2021-08-19. Review status: criteria provided, single submitter. Criteria: NYGC Assertion Criteria 2020. Collection method: clinical testing. Allele origin: germline. Observed: 1 heterozygote.

Illumina Laboratory Services, Illumina
Classification: Uncertain significance for WFS1-Related Spectrum Disorders. Last evaluated: 2018-01-12. Review status: criteria provided, single submitter. Criteria: ICSL Variant Classification Criteria 13 December 2019. Collection method: clinical testing. Allele origin: germline.

Illumina Laboratory Services, Illumina
Classification: Uncertain significance for Autosomal dominant nonsyndromic hearing loss 6. Last evaluated: 2018-01-12. Review status: criteria provided, single submitter. Criteria: ICSL Variant Classification Criteria 13 December 2019. Collection method: clinical testing. Allele origin: germline.

Gharavi Laboratory, Columbia University
Classification: Uncertain significance. Last evaluated: 2018-09-16. Review status: no assertion criteria provided. Criteria: ACMG Guidelines, 2015. Collection method: research. Allele origin: germline. Affected: yes. Not counted in ClinVar's aggregate classification.

Literature cited by the submitters: PubMed 31264968 (cited by Women's Health and Genetics/Laboratory Corporation of America, LabCorp and Labcorp Genetics (formerly Invitae), Labcorp).